The following is an entry in ClinVar:

ClinVar aggregate classification (germline): Uncertain significance (1 of 4 stars; one submission).

Allele frequency attached by ClinVar (database versions not stated): ExAC 0.00001; gnomAD 0.00001.

Submission:

Labcorp Genetics (formerly Invitae), Labcorp
Classification: Uncertain significance. Last evaluated: 2023-05-05. Review status: criteria provided, single submitter. Criteria: Invitae Variant Classification Sherloc (09022015). Collection method: clinical testing. Allele origin: germline.
Comment: In summary, the available evidence is currently insufficient to determine the role of this variant in disease. Therefore, it has been classified as a Variant of Uncertain Significance. Experimental studies and prediction algorithms are not available or were not evaluated, and the functional significance of this variant is currently unknown. This variant has not been reported in the literature in individuals affected with LAMTOR2-related conditions. This variant is present in population databases (rs754521055, gnomAD 0.003%). This sequence change creates a premature translational stop signal (p.Arg85*) in the LAMTOR2 gene. It is expected to result in an absent or disrupted protein product. However, the current clinical and genetic evidence is not sufficient to establish whether loss-of-function variants in LAMTOR2 cause disease.

NM_014017.4(LAMTOR2):c.253C>T (p.Arg85Ter)

Gene: LAMTOR2 (late endosomal/lysosomal adaptor, MAPK and MTOR activator 2; plus strand). Cytogenetic location: 1q22.
Variant type: single nucleotide variant.
Coding change: c.253C>T on transcript NM_014017.4 (MANE Select); coding-DNA position 253, C replaced by T.
Protein change: p.Arg85Ter; replaces arginine 85 with a stop codon.
Molecular consequence: nonsense. On other transcripts: intron variant (1).
Genome position (GRCh38, 1-based): chr1:156,057,999, C>T. VCF-style: chr1-156057999-C-T. GRCh37 (hg19) VCF-style: chr1-156027790-C-T.
Other names: c.232-316C>T (NM_001145264.2); short protein forms R85*.
Identifiers: ClinVar variation 2805838 (VCV002805838.3), dbSNP rs754521055, ClinGen allele CA1154356.